The following is an entry in ClinVar:

ClinVar aggregate classification (germline): Likely benign. Review status: no assertion criteria provided (0 of 4 stars). 3 submissions from 3 submitters: Likely benign (3). Last evaluated 2019-06-26.

Conditions:
CACNB4-related disorder. Also called: CACNB4-Related Disorders; CACNB4-related condition.

Allele frequency attached by ClinVar (database versions not stated): TOPMed below 0.00001; gnomAD 0.00002.
gnomAD v4.1: 45 of 1,572,054 alleles (0.0029%); highest among the groups gnomAD compares: Non-Finnish European, 0.0036%; no homozygotes.

Submissions (3):

PreventionGenetics, part of Exact Sciences
Classification: Likely benign for CACNB4-related condition. Last evaluated: 2019-06-26. Review status: no assertion criteria provided. Collection method: clinical testing. Allele origin: germline.
Comment: This variant is classified as likely benign based on ACMG/AMP sequence variant interpretation guidelines (Richards et al. 2015 PMID: 25741868, with internal and published modifications).

Clinical Genetics DNA and cytogenetics Diagnostics Lab, Erasmus MC, Erasmus Medical Center
Classification: Likely benign. Review status: no assertion criteria provided. Collection method: clinical testing. Allele origin: germline. Affected: yes. Study: VKGL Data-share Consensus.

Diagnostic Laboratory, Department of Genetics, University Medical Center Groningen
Classification: Likely benign. Review status: no assertion criteria provided. Collection method: clinical testing. Allele origin: germline. Affected: yes. Study: VKGL Data-share Consensus.

NM_000726.5(CACNB4):c.64-225G>A

Gene: CACNB4 (calcium voltage-gated channel auxiliary subunit beta 4; minus strand). Cytogenetic location: 2q23.3.
Variant type: single nucleotide variant.
Coding change: c.64-225G>A on transcript NM_000726.5 (MANE Select); 225 bases into the intron before coding-DNA position 64, G replaced by A.
Molecular consequence: intron variant.
Genome position (GRCh38, 1-based): chr2:152,098,638, C>T on the plus strand (G>A on the coding strand, the complement: CACNB4 is on the minus strand). VCF-style: chr2-152098638-C-T. GRCh37 (hg19) VCF-style: chr2-152955152-C-T.
Other names: c.64-225G>A (NM_001145798.2); c.9+3G>A (NM_001330113.2, NM_001005746.4).
Identifiers: ClinVar variation 1174755 (VCV001174755.6), dbSNP rs1280727573, ClinGen allele CA536652603.
Genomic context (GRCh38, chr2:152,098,638, plus strand): 5'-CCACCCACTGCAAGCCTCGACTGCTGAAAAGATGCTCGAGAAGAGCAGCCCGCAAGCACC[C>T]ACCACATCCATTAACAAAGACTCTCAGGGTGCGGGGTCCGAGTCCCCGGCATCCGCTGGG-3'